The following is an entry in ClinVar:

ClinVar aggregate classification (germline): Benign. Review status: criteria provided, multiple submitters, no conflicts (2 of 4 stars). 5 submissions from 5 submitters: Benign (4). 1 of the submissions does not count toward it. Last evaluated 2023-04-11.

Conditions:
Intellectual developmental disorder, autosomal dominant 52. Also called: Intellectual disability, autosomal dominant 52; Mental retardation, autosomal dominant 52. Identifiers: MedGen C4540478, MONDO:0030918, OMIM 617796.
ASH1L-related disorder. Also called: ASH1L-related condition.

Allele frequency attached by ClinVar (database versions not stated): ExAC 0.00336; gnomAD 0.01075 and 0.01179; 1000 Genomes Project 0.01118; gnomAD exomes 0.00099 and 0.00270; 1000 Genomes Project 30x 0.01140; TOPMed 0.01238; ESP Exome Variant Server 0.01299.
gnomAD v4.1: 3,170 of 1,614,008 alleles (0.2%); highest among the groups gnomAD compares: African/African-American, 3.8%; 65 homozygotes.

Submissions (5):

Genome-Nilou Lab
Classification: Benign for Intellectual developmental disorder, autosomal dominant 52. Last evaluated: 2023-04-11. Review status: criteria provided, single submitter. Criteria: ACMG Guidelines, 2015. Collection method: clinical testing. Allele origin: germline. Affected: no.

GeneDx
Classification: Benign. Last evaluated: 2020-07-30. Review status: criteria provided, single submitter. Criteria: GeneDx Variant Classification Process June 2021. Collection method: clinical testing. Allele origin: germline. Affected: yes.

Labcorp Genetics (formerly Invitae), Labcorp
Classification: Benign. Last evaluated: 2019-12-31. Review status: criteria provided, single submitter. Criteria: Invitae Variant Classification Sherloc (09022015). Collection method: clinical testing. Allele origin: germline.

Breakthrough Genomics
Classification: Benign. Review status: criteria provided, single submitter. Criteria: ACMG Guidelines, 2015. Collection method: not provided. Allele origin: germline. Inheritance: Autosomal dominant inheritance. Affected: yes.

PreventionGenetics, part of Exact Sciences
Classification: Benign for ASH1L-related condition. Last evaluated: 2022-09-09. Review status: no assertion criteria provided. Collection method: clinical testing. Allele origin: germline. Not counted in ClinVar's aggregate classification.
Comment: This variant is classified as benign based on ACMG/AMP sequence variant interpretation guidelines (Richards et al. 2015 PMID: 25741868, with internal and published modifications).

NM_018489.3(ASH1L):c.4200C>T (p.Tyr1400=)

Gene: ASH1L (ASH1 like histone lysine methyltransferase; minus strand). Cytogenetic location: 1q22.
Variant type: single nucleotide variant.
Coding change: c.4200C>T on transcript NM_018489.3 (MANE Select); coding-DNA position 4200, C replaced by T.
Protein change: p.Tyr1400=; no amino-acid change (tyrosine 1400 retained).
Molecular consequence: synonymous variant.
Genome position (GRCh38, 1-based): chr1:155,478,670, G>A on the plus strand (C>T on the coding strand, the complement: ASH1L is on the minus strand). VCF-style: chr1-155478670-G-A. GRCh37 (hg19) VCF-style: chr1-155448461-G-A.
Other names: c.4200C>T, p.Tyr1400= (NM_001366177.2).
Identifiers: ClinVar variation 711290 (VCV000711290.10), dbSNP rs112530764, ClinGen allele CA1146974.